The following is an entry in ClinVar:

ClinVar aggregate classification (germline): Likely pathogenic (1 of 4 stars; one submission).

Conditions:
VISS syndrome. Also called: VASCULAR ANEURYSM, IMMUNE DYSREGULATION, SKELETAL ANOMALIES, AND SKIN AND JOINT LAXITY. Identifiers: MedGen C5561955, MONDO:0859177, OMIM 619472.
Leukodystrophy, hypomyelinating, 8, with or without oligodontia and/or hypogonadotropic hypogonadism. Also called: LEUKODYSTROPHY, HYPOMYELINATING, 8, WITH HYPODONTIA AND HYPOGONADOTROPIC HYPOGONADISM; Hypomyelinating leukodystrophy 8 with or without oligodontia and-or hypogonadotropic hypogonadism; Endosteal sclerosis-cerebellar hypoplasia syndrome. Identifiers: Orphanet 85186, Orphanet 88637, MedGen C3280644, MONDO:0013722, OMIM 614381.

Submission:

Institute of Immunology and Genetics Kaiserslautern
Classification: Likely pathogenic for VISS syndrome; Leukodystrophy, hypomyelinating, 8, with or without oligodontia and/or hypogonadotropic hypogonadism. Last evaluated: 2025-02-04. Review status: criteria provided, single submitter. Criteria: ACMG Guidelines, 2015. Collection method: clinical testing. Allele origin: germline. Affected: yes.
Comment: ACMG Criteria: PVS1, PM2; Variant was found in heterozygous state

NM_018082.6(POLR3B):c.3140dup (p.Gly1048fs)

Genes: POLR3B (RNA polymerase III subunit B; plus strand), RFX4-AS1 (RFX4 antisense RNA 1; minus strand). Cytogenetic location: 12q23.3.
Variant type: Duplication.
Coding change: c.3140dup on transcript NM_018082.6 (MANE Select); coding-DNA position 3140, one base duplicated (T; older notation c.3140dupT).
Protein change: p.Gly1048fs; shifts the reading frame from glycine 1048.
Molecular consequence: frameshift variant.
Genome position (GRCh38, 1-based): chr12:106,504,122, T duplicated. VCF-style (leftmost placement, unchanged base first): chr12-106504121-C-CT. GRCh37 (hg19) VCF-style: chr12-106897899-C-CT.
Other names: c.2966dup, p.Gly990fs (NM_001160708.2); short protein forms G1048fs, G990fs.
Identifiers: ClinVar variation 3897554 (VCV003897554.1).
Genomic context (GRCh38, chr12:106,504,121, plus strand): 5'-TCTAATAACTTGTTTCAAAGGCAACCCACTGAAGGACGGTCTCGTGATGGTGGCTTGCGT[C>CT]TCGGGGAAATGGAACGTGACTGTTTAATCGGTTATGGAGCCAGTATGCTTTTGCTAGAGA-3'